The following is an entry in ClinVar:

NM_000021.4(PSEN1):c.697A>G (p.Met233Val)

Gene: PSEN1 (presenilin 1; plus strand). Cytogenetic location: 14q24.2.
Variant type: single nucleotide variant.
Coding change: c.697A>G on transcript NM_000021.4 (MANE Select); coding-DNA position 697, A replaced by G.
Protein change: p.Met233Val; replaces methionine 233 with valine.
Molecular consequence: missense variant.
Genome position (GRCh38, 1-based): chr14:73,192,792, A>G. VCF-style: chr14-73192792-A-G. GRCh37 (hg19) VCF-style: chr14-73659500-A-G.
Other names: c.685A>G, p.Met229Val (NM_007318.3); short protein forms M233V, M229V.
Identifiers: ClinVar variation 21028 (VCV000021028.19), dbSNP rs63751287, ClinGen allele CA341527.

ClinVar aggregate classification (germline): Pathogenic/Likely pathogenic. Review status: criteria provided, multiple submitters, no conflicts (2 of 4 stars). 6 submissions from 6 submitters: Pathogenic (4); Likely pathogenic (1). 1 of the submissions does not count toward it. Last evaluated 2024-06-07.

Conditions:
Frontotemporal dementia (FTD1). Also called: WILHELMSEN-LYNCH DISEASE; Frontotemporal lobe dementia (FLDEM); Dementia, frontotemporal, with or without parkinsonism; Frontotemporal Dementia with Parkinsonism-17 (FTDP-17); FRONTOTEMPORAL DEMENTIA WITH PARKINSONISM; FRONTOTEMPORAL LOBE DEMENTIA. Identifiers: Orphanet 282, MedGen C0338451, MONDO:0017276, OMIM 600274, HP:0002145.
Alzheimer disease 3 (AD3). Also called: ALZHEIMER DISEASE, FAMILIAL, 3. Identifiers: Orphanet 1020, MedGen C1843013, MONDO:0011913, OMIM 607822.
Acne inversa, familial, 3 (ACNINV3). Identifiers: MedGen C3151038, MONDO:0013398, OMIM 613737.
Pick disease. Also called: Pick Disease of the Brain; Pick's disease; LOBAR ATROPHY OF BRAIN; PICK DISEASE OF BRAIN; DEMENTIA WITH LOBAR ATROPHY AND NEURONAL CYTOPLASMIC INCLUSIONS. Identifiers: Orphanet 282, MedGen C0236642, MONDO:0008243, OMIM 172700.

Submissions (6):

Labcorp Genetics (formerly Invitae), Labcorp
Classification: Pathogenic for Alzheimer disease 3; Pick disease; Acne inversa, familial, 3; Frontotemporal dementia. Last evaluated: 2024-06-07. Review status: criteria provided, single submitter. Criteria: Invitae Variant Classification Sherloc (09022015). Collection method: clinical testing. Allele origin: germline.
Comment: This sequence change replaces methionine, which is neutral and non-polar, with valine, which is neutral and non-polar, at codon 233 of the PSEN1 protein (p.Met233Val). This variant is not present in population databases (gnomAD no frequency). This missense change has been observed in individuals with early-onset Alzheimer’s disease (PMID: 11684347, 29316780). It has also been observed to segregate with disease in related individuals. ClinVar contains an entry for this variant (Variation ID: 21028). Advanced modeling of protein sequence and biophysical properties (such as structural, functional, and spatial information, amino acid conservation, physicochemical variation, residue mobility, and thermodynamic stability) performed at Invitae indicates that this missense variant is not expected to disrupt PSEN1 protein function with a negative predictive value of 80%. Experimental studies have shown that this missense change affects PSEN1 function (PMID: 27014058). This variant disrupts the p.Met233 amino acid residue in PSEN1. Other variant(s) that disrupt this residue have been observed in individuals with PSEN1-related conditions (PMID: 10533070, 11524469, 16948293, 18667258, 28350801), which suggests that this may be a clinically significant amino acid residue. For these reasons, this variant has been classified as Pathogenic.

GeneDx
Classification: Pathogenic. Last evaluated: 2024-01-18. Review status: criteria provided, single submitter. Criteria: GeneDx Variant Classification Process June 2021. Collection method: clinical testing. Allele origin: germline. Affected: yes.
Comment: Published functional studies demonstrate a damaging effect (PMID: 27014058, 17962197, 20379593); Not observed at significant frequency in large population cohorts (gnomAD); In silico analysis supports that this missense variant has a deleterious effect on protein structure/function; This variant is associated with the following publications: (PMID: 33855944, 27014058, 30814350, 20379593, 17962197, 29316780, 11684347, 32594361, 26756738, 34389718, 35872528, 34843019)

Athena Diagnostics
Classification: Pathogenic. Last evaluated: 2022-03-25. Review status: criteria provided, single submitter. Criteria: Athena Diagnostics Criteria. Collection method: clinical testing. Allele origin: unknown.
Comment: This variant has been identified in several unrelated individuals with clinical features of Alzheimer disease and very early age of onset, including one de novo case. Some individuals presented with additional atypical features of disease. This variant has not been reported in large, multi-ethnic general populations. At least one other missense variant at this codon is considered to be pathogenic or likely pathogenic. Assessment of experimental evidence suggests this variant results in abnormal protein function. Studies show this variant results in an alteration of amyloid-beta-40 and -42 production (PMID: 17962197, 27014058).

Institute of Human Genetics Munich, TUM University Hospital
Classification: Pathogenic for Alzheimer disease 3. Last evaluated: 2020-06-08. Review status: criteria provided, single submitter. Criteria: Classification criteria August 2017. Collection method: clinical testing. Allele origin: germline. Inheritance: Autosomal dominant inheritance. Affected: yes. Observed: 2 heterozygotes.

Institute of Human Genetics, University of Leipzig Medical Center
Classification: Likely pathogenic for Alzheimer disease 3. Last evaluated: 2019-01-07. Review status: criteria provided, single submitter. Criteria: ACMG Guidelines, 2015. Collection method: clinical testing. Allele origin: germline. Affected: yes. Observed: 1 variant allele.

GeneReviews
No classification provided. Condition: Alzheimer disease 3. Review status: no classification provided. Collection method: literature only. Allele origin: unknown. Not counted in ClinVar's aggregate classification.

Literature cited by the submitters: PubMed 11684347 (cited by Labcorp Genetics (formerly Invitae), Labcorp and Athena Diagnostics); PubMed 29316780 (cited by Labcorp Genetics (formerly Invitae), Labcorp and Athena Diagnostics); PubMed 27014058 (cited by Labcorp Genetics (formerly Invitae), Labcorp and Athena Diagnostics); PubMed 10533070 (cited by Labcorp Genetics (formerly Invitae), Labcorp); PubMed 11524469 (cited by Labcorp Genetics (formerly Invitae), Labcorp); PubMed 16948293 (cited by Labcorp Genetics (formerly Invitae), Labcorp); PubMed 18667258 (cited by Labcorp Genetics (formerly Invitae), Labcorp); PubMed 28350801 (cited by Labcorp Genetics (formerly Invitae), Labcorp); PubMed 30814350 (cited by Athena Diagnostics); PubMed 32594361 (cited by Athena Diagnostics); PubMed 33855944 (cited by Athena Diagnostics); PubMed 30630874 (cited by Athena Diagnostics); PubMed 34220489 (cited by Athena Diagnostics); PubMed 26756738 (cited by Athena Diagnostics); PubMed 17962197 (cited by Athena Diagnostics); PubMed 12885573 (cited by GeneReviews); PubMed 20301414 (cited by GeneReviews); NCBI Bookshelf NBK1236 (cited by GeneReviews).